The following is an entry in ClinVar:

NM_001242896.3(DEPDC5):c.767+2T>C

Gene: DEPDC5 (DEP domain containing 5, GATOR1 subcomplex subunit; plus strand). Cytogenetic location: 22q12.2.
Variant type: single nucleotide variant.
Coding change: c.767+2T>C on transcript NM_001242896.3 (MANE Select); the canonical splice donor site of the intron after coding-DNA position 767, T replaced by C.
Molecular consequence: splice donor variant.
Genome position (GRCh38, 1-based): chr22:31,792,819, T>C. VCF-style: chr22-31792819-T-C. GRCh37 (hg19) VCF-style: chr22-32188805-T-C.
Other names: c.767+2T>C (NM_001364318.2, NM_001136029.4, NM_014662.6 and 7 more transcripts); c.683+2T>C (NM_001369902.1, NM_001369901.1).
Identifiers: ClinVar variation 2581008 (VCV002581008.1), dbSNP rs2518623610, ClinGen allele CA411289514.

ClinVar aggregate classification (germline): Likely pathogenic (1 of 4 stars; one submission).

Conditions:
Epilepsy, familial focal, with variable foci 1 (FFEVF1). Also called: DEPDC5-Related Epilepsy. Identifiers: MedGen C4551983, MONDO:0024556, OMIM 604364.

Submission:

Dr. med. U. Finckh, Human Genetics, Eurofins MVZ
Classification: Likely pathogenic for Epilepsy, familial focal, with variable foci 1. Last evaluated: 2021-05-06. Review status: criteria provided, single submitter. Criteria: ACMG Guidelines, 2015. Collection method: clinical testing. Allele origin: maternal. Observed: 2 heterozygotes.
Comment: The variant is not present in gnomAD. Splice prediction suggests disruption of the adjacent splice donor site. Penetrance of DEPDC5-associated epilepsy is known to be incomplete. The variant thus is classified as likely pathogenic. Due to the absence of symptoms in the examined carriers and missing experimental evidence, the interpretation should be used with caution.